The following is an entry in ClinVar:

ClinVar aggregate classification (germline): Conflicting classifications of pathogenicity. Review status: criteria provided, conflicting classifications (1 of 4 stars). 2 submissions from 2 submitters: Uncertain significance (1); Likely benign (1). Last evaluated 2025-12-08.

Conditions:
Emery-Dreifuss muscular dystrophy 5, autosomal dominant (EDMD5). Also called: EMERY-DREIFUSS MUSCULAR DYSTROPHY 5. Identifiers: Orphanet 261, MedGen C2751805, MONDO:0013072, OMIM 612999.

gnomAD v4.1: 3 of 1,614,208 alleles (0.00019%); highest among the groups gnomAD compares: Non-Finnish European, 0.00017%; no homozygotes.

Submissions (2):

Labcorp Genetics (formerly Invitae), Labcorp
Classification: Uncertain significance for Emery-Dreifuss muscular dystrophy 5, autosomal dominant. Last evaluated: 2025-12-08. Review status: criteria provided, single submitter. Criteria: Invitae Variant Classification Sherloc (09022015). Collection method: clinical testing. Allele origin: germline.
Comment: This sequence change replaces phenylalanine, which is neutral and non-polar, with leucine, which is neutral and non-polar, at codon 3845 of the SYNE2 protein (p.Phe3845Leu). This variant is present in population databases (rs753210962, gnomAD 0.004%). This variant has not been reported in the literature in individuals affected with SYNE2-related conditions. ClinVar contains an entry for this variant (Variation ID: 3729855). An algorithm developed to predict the effect of missense changes on protein structure and function outputs the following: PolyPhen-2: "Benign". The leucine amino acid residue is found in multiple mammalian species, which suggests that this missense change does not adversely affect protein function. In summary, the available evidence is currently insufficient to determine the role of this variant in disease. Therefore, it has been classified as a Variant of Uncertain Significance.

Ambry Genetics
Classification: Likely benign. Last evaluated: 2025-08-26. Review status: criteria provided, single submitter. Criteria: Ambry Variant Classification Scheme 2023. Collection method: clinical testing. Allele origin: germline.

NM_182914.3(SYNE2):c.11535T>A (p.Phe3845Leu)

Gene: SYNE2 (spectrin repeat containing nuclear envelope protein 2; plus strand). Cytogenetic location: 14q23.2.
Variant type: single nucleotide variant.
Coding change: c.11535T>A on transcript NM_182914.3 (MANE Select); coding-DNA position 11535, T replaced by A.
Protein change: p.Phe3845Leu; replaces phenylalanine 3845 with leucine.
Molecular consequence: missense variant.
Genome position (GRCh38, 1-based): chr14:64,087,721, T>A. VCF-style: chr14-64087721-T-A. GRCh37 (hg19) VCF-style: chr14-64554439-T-A.
Other names: c.11535T>A (NM_182914.2); c.11535T>A, p.Phe3845Leu (NM_015180.6); short protein forms F3845L.
Identifiers: ClinVar variation 3729855 (VCV003729855.3).